The following is an entry in ClinVar:

ClinVar aggregate classification (germline): Likely benign. Review status: criteria provided, multiple submitters, no conflicts (2 of 4 stars). 4 submissions from 4 submitters: Likely benign (4). Last evaluated 2026-04-14.

Conditions:
Hereditary cancer-predisposing syndrome. Also called: Neoplastic Syndromes, Hereditary; Tumor predisposition; Hereditary neoplastic syndrome; Hereditary Cancer Syndrome. Identifiers: Orphanet 140162, MedGen C0027672, MeSH D009386, MONDO:0015356.
DICER1-related tumor predisposition. Also called: DICER1-related pleuropulmonary blastoma cancer predisposition syndrome; DICER1 syndrome. Identifiers: Orphanet 284343, MedGen C3839822, MONDO:0100216.

Allele frequency attached by ClinVar (database versions not stated): TOPMed 0.00007; gnomAD 0.00006 and 0.00005; ExAC 0.00012; gnomAD exomes 0.00004 and 0.00009; 1000 Genomes Project 0.00040; 1000 Genomes Project 30x 0.00047.
gnomAD v4.1: 75 of 1,613,960 alleles (0.0046%); highest among the groups gnomAD compares: East Asian, 0.025%; no homozygotes.

Submissions (4):

Myriad Genetics, Inc.
Classification: Likely benign for DICER1-related tumor predisposition. Last evaluated: 2026-04-14. Review status: criteria provided, single submitter. Criteria: Myriad Autosomal Dominant, Autosomal Recessive and X-Linked Classification Criteria (2023). Collection method: clinical testing. Allele origin: unknown.
Comment: This variant is considered likely benign. This variant is intronic and is not expected to impact mRNA splicing.

Labcorp Genetics (formerly Invitae), Labcorp
Classification: Likely benign for DICER1-related tumor predisposition. Last evaluated: 2026-01-28. Review status: criteria provided, single submitter. Criteria: Invitae Variant Classification Sherloc (09022015). Collection method: clinical testing. Allele origin: germline.

ARUP Laboratories, Molecular Genetics and Genomics, ARUP Laboratories
Classification: Likely benign. Last evaluated: 2022-03-18. Review status: criteria provided, single submitter. Criteria: ARUP Molecular Germline Variant Investigation Process 2021. Collection method: clinical testing. Allele origin: germline.

Sema4
Classification: Likely benign for Hereditary cancer-predisposing syndrome. Last evaluated: 2020-10-06. Review status: criteria provided, single submitter. Criteria: Sema4 Curation Guidelines. Collection method: curation. Allele origin: germline.

NM_177438.3(DICER1):c.5096-13C>T

Gene: DICER1 (dicer 1, ribonuclease III; minus strand). Cytogenetic location: 14q32.13.
Variant type: single nucleotide variant.
Coding change: c.5096-13C>T on transcript NM_177438.3 (MANE Select); 13 bases into the intron before coding-DNA position 5096, C replaced by T.
Molecular consequence: intron variant.
Genome position (GRCh38, 1-based): chr14:95,094,169, G>A on the plus strand (C>T on the coding strand, the complement: DICER1 is on the minus strand). VCF-style: chr14-95094169-G-A. GRCh37 (hg19) VCF-style: chr14-95560506-G-A.
Other names: c.5096-13C>T (NM_001291628.2, NM_030621.4, NM_001271282.3 and 1 more transcripts).
Identifiers: ClinVar variation 1624969 (VCV001624969.12), dbSNP rs199506334, ClinGen allele CA7330717.